The following is an entry in ClinVar:

ClinVar aggregate classification (germline): Uncertain significance (1 of 4 stars; one submission).

Submission:

Labcorp Genetics (formerly Invitae), Labcorp
Classification: Uncertain significance. Last evaluated: 2025-03-27. Review status: criteria provided, single submitter. Criteria: Invitae Variant Classification Sherloc (09022015). Collection method: clinical testing. Allele origin: germline.
Comment: This sequence change replaces asparagine, which is neutral and polar, with serine, which is neutral and polar, at codon 987 of the PLEKHM2 protein (p.Asn987Ser). This variant is not present in population databases (gnomAD no frequency). This variant has not been reported in the literature in individuals affected with PLEKHM2-related conditions. An algorithm developed to predict the effect of missense changes on protein structure and function outputs the following: PolyPhen-2: "Benign". The serine amino acid residue is found in multiple mammalian species, which suggests that this missense change does not adversely affect protein function. In summary, the available evidence is currently insufficient to determine the role of this variant in disease. Therefore, it has been classified as a Variant of Uncertain Significance.

NM_015164.4(PLEKHM2):c.2960A>G (p.Asn987Ser)

Gene: PLEKHM2 (pleckstrin homology and RUN domain containing M2; plus strand). Cytogenetic location: 1p36.21.
Variant type: single nucleotide variant.
Coding change: c.2960A>G on transcript NM_015164.4 (MANE Select); coding-DNA position 2960, A replaced by G.
Protein change: p.Asn987Ser; replaces asparagine 987 with serine.
Molecular consequence: missense variant.
Genome position (GRCh38, 1-based): chr1:15,733,834, A>G. VCF-style: chr1-15733834-A-G. GRCh37 (hg19) VCF-style: chr1-16060329-A-G.
Other names: c.2900A>G, p.Asn967Ser (NM_001410755.1); short protein forms N987S, N967S.
Identifiers: ClinVar variation 3681075 (VCV003681075.2).